The following is an entry in ClinVar:

ClinVar aggregate classification (germline): Likely pathogenic (1 of 4 stars; one submission).

Submission:

ARUP Laboratories, Molecular Genetics and Genomics, ARUP Laboratories
Classification: Likely pathogenic. Last evaluated: 2018-10-12. Review status: criteria provided, single submitter. Criteria: ARUP Molecular Germline Variant Investigation Process. Collection method: clinical testing. Allele origin: germline.
Comment: The EPHB4 c.2450G>A; p.Gly817Glu variant, to our knowledge, is not reported in the medical literature or gene specific databases. This variant is also absent from general population databases (1000 Genomes Project, Exome Variant Server, and Genome Aggregation Database), indicating it is not a common polymorphism. The glycine at codon 817 is highly conserved, and computational analyses (SIFT, PolyPhen-2) predict that this variant is deleterious. Based on available information, the p.Gly817Glu variant is considered to be likely pathogenic.

NM_004444.5(EPHB4):c.2450G>A (p.Gly817Glu)

Genes: EPHB4 (EPH receptor B4; minus strand), LOC126860124 (CDK7 strongly-dependent group 2 enhancer GRCh37_chr7:100403701-100404900; plus strand). Cytogenetic location: 7q22.1.
Variant type: single nucleotide variant.
Coding change: c.2450G>A on transcript NM_004444.5 (MANE Select); coding-DNA position 2450, G replaced by A.
Protein change: p.Gly817Glu; replaces glycine 817 with glutamic acid.
Molecular consequence: missense variant.
Genome position (GRCh38, 1-based): chr7:100,806,454, C>T on the plus strand (G>A on the coding strand, the complement: EPHB4 is on the minus strand). VCF-style: chr7-100806454-C-T. GRCh37 (hg19) VCF-style: chr7-100404076-C-T.
Other names: short protein forms G817E.
Identifiers: ClinVar variation 811778 (VCV000811778.8), dbSNP rs1584653660, ClinGen allele CA368567501.
Genomic context (GRCh38, chr7:100,806,454, plus strand): 5'-GCTTGGTAGGACCACGGGACACTTACGTCCTGATTGCTCATGTCCCAGTACGGCCTCTCC[C>T]CAAATGACATCACCTCCCACATCACAATCCCGTAACTCCAGGCATCACTGGCGGAAGTGA-3'
Protein context (NP_004435.3, residues 807-827): GIVMWEVMSF[Gly817Glu]ERPYWDMSNQ